The following is an entry in ClinVar:

NM_001005373.4(LRSAM1):c.1746G>A (p.Ser582=)

Gene: LRSAM1 (leucine rich repeat and sterile alpha motif containing 1; plus strand). Cytogenetic location: 9q33.3.
Variant type: single nucleotide variant.
Coding change: c.1746G>A on transcript NM_001005373.4 (MANE Select); coding-DNA position 1746, G replaced by A.
Protein change: p.Ser582=; no amino-acid change (serine 582 retained).
Molecular consequence: synonymous variant. On other transcripts: non-coding transcript variant (2).
Genome position (GRCh38, 1-based): chr9:127,496,011, G>A. VCF-style: chr9-127496011-G-A. GRCh37 (hg19) VCF-style: chr9-130258290-G-A.
Other names: c.1746G>A, p.Ser582= (NM_001005374.4, NM_001384142.1, NM_138361.5); c.1665G>A, p.Ser555= (NM_001190723.3); c.1647G>A, p.Ser549= (NM_001384143.1); c.957G>A, p.Ser319= (NM_001384144.1); c.1746G>A (NM_138361.4).
Identifiers: ClinVar variation 365030 (VCV000365030.35), dbSNP rs199997686, ClinGen allele CA5247118.

ClinVar aggregate classification (germline): Likely benign. Review status: criteria provided, multiple submitters, no conflicts (2 of 4 stars). 5 submissions from 5 submitters: Likely benign (5). Last evaluated 2025-10-23.

Conditions:
Charcot-Marie-Tooth disease axonal type 2P. Also called: CHARCOT-MARIE-TOOTH DISEASE, AXONAL, TYPE 2G; CMT 2G; Charcot-Marie-Tooth Neuropathy Type 2G; CHARCOT-MARIE-TOOTH NEUROPATHY, TYPE 2P. Identifiers: Orphanet 300319, Orphanet 99941, MedGen C3280797, MONDO:0013753, OMIM 614436.
LRSAM1-related disorder. Also called: LRSAM1-related condition.
Inborn genetic diseases. Identifiers: MedGen C0950123, MeSH D030342.

Allele frequency attached by ClinVar (database versions not stated): ESP Exome Variant Server 0.00008; TOPMed 0.00008; ExAC 0.00009; gnomAD 0.00009; gnomAD exomes 0.00009 and 0.00010.
gnomAD v4.1: 150 of 1,612,644 alleles (0.0093%); highest among the groups gnomAD compares: East Asian, 0.016%; no homozygotes.

Submissions (5):

Labcorp Genetics (formerly Invitae), Labcorp
Classification: Likely benign for Charcot-Marie-Tooth disease axonal type 2P. Last evaluated: 2025-10-23. Review status: criteria provided, single submitter. Criteria: Invitae Variant Classification Sherloc (09022015). Collection method: clinical testing. Allele origin: germline.

PreventionGenetics, part of Exact Sciences
Classification: Likely benign for LRSAM1-related condition. Last evaluated: 2025-10-22. Review status: criteria provided, single submitter. Criteria: ACMG Guidelines, 2015. Collection method: clinical testing. Allele origin: germline.
Comment: This variant is classified as likely benign based on ACMG/AMP sequence variant interpretation guidelines (Richards et al. 2015 PMID: 25741868, with internal and published modifications).

CeGaT Center for Human Genetics Tuebingen
Classification: Likely benign. Last evaluated: 2024-07-01. Review status: criteria provided, single submitter. Criteria: CeGaT Center For Human Genetics Tuebingen Variant Classification Criteria Version 2. Collection method: clinical testing. Allele origin: germline. Affected: yes. Observed: 1 variant allele.
Comment: LRSAM1: BP4, BP7

Ambry Genetics
Classification: Likely benign for Inborn genetic diseases. Last evaluated: 2019-07-11. Review status: criteria provided, single submitter. Criteria: Ambry Variant Classification Scheme 2023. Collection method: clinical testing. Allele origin: germline.

Illumina Laboratory Services, Illumina
Classification: Likely benign for Charcot-Marie-Tooth disease axonal type 2P. Last evaluated: 2018-01-12. Review status: criteria provided, single submitter. Criteria: ICSL Variant Classification Criteria 13 December 2019. Collection method: clinical testing. Allele origin: germline.
Comment: This variant was observed in the ICSL laboratory as part of a predisposition screen in an ostensibly healthy population. It had not been previously curated by ICSL or reported in the Human Gene Mutation Database (HGMD: prior to June 1st, 2018), and was therefore a candidate for classification through an automated scoring system. Utilizing variant allele frequency, disease prevalence and penetrance estimates, and inheritance mode, an automated score was calculated to assess if this variant is too frequent to cause the disease. Based on the score and internal cut-off values, a variant classified as likely benign is not then subjected to further curation. The score for this variant resulted in a classification of likely benign for this disease.